The following is an entry in ClinVar:

NM_147127.5(EVC2):c.1861A>G (p.Thr621Ala)

Gene: EVC2 (EvC ciliary complex subunit 2; minus strand). Cytogenetic location: 4p16.2.
Variant type: single nucleotide variant.
Coding change: c.1861A>G on transcript NM_147127.5 (MANE Select); coding-DNA position 1861, A replaced by G.
Protein change: p.Thr621Ala; replaces threonine 621 with alanine.
Molecular consequence: missense variant.
Genome position (GRCh38, 1-based): chr4:5,628,584, T>C on the plus strand (A>G on the coding strand, the complement: EVC2 is on the minus strand). VCF-style: chr4-5628584-T-C. GRCh37 (hg19) VCF-style: chr4-5630311-T-C.
Other names: c.1621A>G, p.Thr541Ala (NM_001166136.2); short protein forms T541A, T621A.
Identifiers: ClinVar variation 3761570 (VCV003761570.2).

ClinVar aggregate classification (germline): Uncertain significance (1 of 4 stars; one submission).

Conditions:
Curry-Hall syndrome (WAD). Also called: WEYERS ACRODENTAL DYSOSTOSIS. Identifiers: Orphanet 952, MedGen C0457013, MONDO:0008673, OMIM 193530.
Ellis-van Creveld syndrome (EVC). Also called: EVC-Related Ellis-van Creveld Syndrome; EVC2-Related Ellis-van Creveld Syndrome; MESOECTODERMAL DYSPLASIA; Chondroectodermal dysplasia. Identifiers: Orphanet 289, MedGen C0013903, MONDO:0009162, OMIM 225500.

gnomAD v4.1: 1 of 1,614,076 alleles (0.000062%); highest among the groups gnomAD compares: Non-Finnish European, 0.000085%; no homozygotes.

Submission:

Labcorp Genetics (formerly Invitae), Labcorp
Classification: Uncertain significance for Curry-Hall syndrome; Ellis-van Creveld syndrome. Last evaluated: 2025-01-12. Review status: criteria provided, single submitter. Criteria: Invitae Variant Classification Sherloc (09022015). Collection method: clinical testing. Allele origin: germline.
Comment: This sequence change replaces threonine, which is neutral and polar, with alanine, which is neutral and non-polar, at codon 621 of the EVC2 protein (p.Thr621Ala). This variant is not present in population databases (gnomAD no frequency). This variant has not been reported in the literature in individuals affected with EVC2-related conditions. An algorithm developed to predict the effect of missense changes on protein structure and function (PolyPhen-2) suggests that this variant is likely to be disruptive. In summary, the available evidence is currently insufficient to determine the role of this variant in disease. Therefore, it has been classified as a Variant of Uncertain Significance.